The following is an entry in ClinVar:

NM_000047.3(ARSL):c.540T>A (p.Asp180Glu)

Gene: ARSL (arylsulfatase L; minus strand). Cytogenetic location: Xp22.33.
Variant type: single nucleotide variant.
Coding change: c.540T>A on transcript NM_000047.3 (MANE Select); coding-DNA position 540, T replaced by A.
Protein change: p.Asp180Glu; replaces aspartic acid 180 with glutamic acid.
Molecular consequence: missense variant.
Genome position (GRCh38, 1-based): chrX:2,949,618, A>T on the plus strand (T>A on the coding strand, the complement: ARSL is on the minus strand). VCF-style: chrX-2949618-A-T. GRCh37 (hg19) VCF-style: chrX-2867659-A-T.
Other names: c.615T>A, p.Asp205Glu (NM_001282628.2, NM_001369080.1); c.378T>A, p.Asp126Glu (NM_001282631.2); c.567T>A, p.Asp189Glu (NM_001369079.1); short protein forms D126E, D180E, D189E, D205E.
Identifiers: ClinVar variation 3360188 (VCV003360188.1).

ClinVar aggregate classification (germline): Likely pathogenic (1 of 4 stars; one submission).

Submission:

GeneDx
Classification: Likely pathogenic. Last evaluated: 2024-01-16. Review status: criteria provided, single submitter. Criteria: GeneDx Variant Classification Process June 2021. Collection method: clinical testing. Allele origin: germline. Affected: yes.
Comment: Not observed at significant frequency in large population cohorts (gnomAD); In silico analysis supports that this missense variant has a deleterious effect on protein structure/function; Has not been previously published as pathogenic or benign to our knowledge